The following is an entry in ClinVar:

ClinVar aggregate classification (germline): Uncertain significance (1 of 4 stars; one submission).

Submission:

GeneDx
Classification: Uncertain significance. Last evaluated: 2025-04-03. Review status: criteria provided, single submitter. Criteria: GeneDx Variant Classification Process June 2021. Collection method: clinical testing. Allele origin: germline. Affected: yes.
Comment: Not observed at significant frequency in large population cohorts (gnomAD); In silico analysis supports that this missense variant has a deleterious effect on protein structure/function; Has not been previously published as pathogenic or benign to our knowledge

NM_001276345.2(TNNT2):c.8A>T (p.Asp3Val)

Gene: TNNT2 (troponin T2, cardiac type; minus strand). Cytogenetic location: 1q32.1.
Variant type: single nucleotide variant.
Coding change: c.8A>T on transcript NM_001276345.2 (MANE Select); coding-DNA position 8, A replaced by T.
Protein change: p.Asp3Val; replaces aspartic acid 3 with valine.
Molecular consequence: missense variant.
Genome position (GRCh38, 1-based): chr1:201,373,247, T>A on the plus strand (A>T on the coding strand, the complement: TNNT2 is on the minus strand). VCF-style: chr1-201373247-T-A. GRCh37 (hg19) VCF-style: chr1-201342375-T-A.
Other names: c.8A>T, p.Asp3Val (NM_000364.4, NM_001001430.3, NM_001001431.3 and 9 more transcripts); short protein forms D3V.
Identifiers: ClinVar variation 4278883 (VCV004278883.1).